The following is an entry in ClinVar:

NM_015425.6(POLR1A):c.4717G>A (p.Glu1573Lys)

Gene: POLR1A (RNA polymerase I subunit A; minus strand). Cytogenetic location: 2p11.2.
Variant type: single nucleotide variant.
Coding change: c.4717G>A on transcript NM_015425.6 (MANE Select); coding-DNA position 4717, G replaced by A.
Protein change: p.Glu1573Lys; replaces glutamic acid 1573 with lysine.
Molecular consequence: missense variant.
Genome position (GRCh38, 1-based): chr2:86,030,258, C>T on the plus strand (G>A on the coding strand, the complement: POLR1A is on the minus strand). VCF-style: chr2-86030258-C-T. GRCh37 (hg19) VCF-style: chr2-86257381-C-T.
Other names: short protein forms E1573K.
Identifiers: ClinVar variation 3216436 (VCV003216436.3), dbSNP rs1375451262, ClinGen allele CA347545373.

ClinVar aggregate classification (germline): Uncertain significance. Review status: criteria provided, multiple submitters, no conflicts (2 of 4 stars). 2 submissions from 2 submitters: Uncertain significance (2). Last evaluated 2024-01-31.

Conditions:
Inborn genetic diseases. Identifiers: MedGen C0950123, MeSH D030342.

Allele frequency attached by ClinVar (database versions not stated): gnomAD exomes below 0.00001.

Submissions (2):

Labcorp Genetics (formerly Invitae), Labcorp
Classification: Uncertain significance. Last evaluated: 2024-01-31. Review status: criteria provided, single submitter. Criteria: Invitae Variant Classification Sherloc (09022015). Collection method: clinical testing. Allele origin: germline.
Comment: This sequence change replaces glutamic acid, which is acidic and polar, with lysine, which is basic and polar, at codon 1573 of the POLR1A protein (p.Glu1573Lys). This variant is present in population databases (no rsID available, gnomAD 0.003%). This variant has not been reported in the literature in individuals affected with POLR1A-related conditions. Advanced modeling of protein sequence and biophysical properties (such as structural, functional, and spatial information, amino acid conservation, physicochemical variation, residue mobility, and thermodynamic stability) performed at Invitae indicates that this missense variant is not expected to disrupt POLR1A protein function with a negative predictive value of 80%. In summary, the available evidence is currently insufficient to determine the role of this variant in disease. Therefore, it has been classified as a Variant of Uncertain Significance.

Ambry Genetics
Classification: Uncertain significance for Inborn genetic diseases. Last evaluated: 2023-10-03. Review status: criteria provided, single submitter. Criteria: Ambry Variant Classification Scheme 2023. Collection method: clinical testing. Allele origin: germline.